The following is an entry in ClinVar:

ClinVar aggregate classification (germline): Uncertain significance (1 of 4 stars; one submission).

gnomAD v4.1: 4 of 1,613,840 alleles (0.00025%); highest among the groups gnomAD compares: Admixed American, 0.0067%; no homozygotes.

Submission:

Labcorp Genetics (formerly Invitae), Labcorp
Classification: Uncertain significance. Last evaluated: 2025-06-14. Review status: criteria provided, single submitter. Criteria: Invitae Variant Classification Sherloc (09022015). Collection method: clinical testing. Allele origin: germline.
Comment: This sequence change replaces asparagine, which is neutral and polar, with histidine, which is basic and polar, at codon 84 of the OR2W3 protein (p.Asn84His). This variant is present in population databases (rs765609036, gnomAD 0.009%). This variant has not been reported in the literature in individuals affected with OR2W3-related conditions. ClinVar contains an entry for this variant (Variation ID: 3713323). An algorithm developed to predict the effect of missense changes on protein structure and function (PolyPhen-2) suggests that this variant is likely to be disruptive. In summary, the available evidence is currently insufficient to determine the role of this variant in disease. Therefore, it has been classified as a Variant of Uncertain Significance.

NM_001001957.2(OR2W3):c.250A>C (p.Asn84His)

Gene: OR2W3 (olfactory receptor family 2 subfamily W member 3; plus strand). Cytogenetic location: 1q44.
Variant type: single nucleotide variant.
Coding change: c.250A>C on transcript NM_001001957.2 (MANE Select); coding-DNA position 250, A replaced by C.
Protein change: p.Asn84His; replaces asparagine 84 with histidine.
Molecular consequence: missense variant.
Genome position (GRCh38, 1-based): chr1:247,895,836, A>C. VCF-style: chr1-247895836-A-C. GRCh37 (hg19) VCF-style: chr1-248059138-A-C.
Other names: short protein forms N84H.
Identifiers: ClinVar variation 3713323 (VCV003713323.2).